The following is an entry in ClinVar:

ClinVar aggregate classification (germline): Uncertain significance (0 of 4 stars; one submission).

Conditions:
SH2B1-related disorder. Also called: SH2B1-related condition.

gnomAD v4.1: 3 of 1,609,572 alleles (0.00019%); highest among the groups gnomAD compares: Admixed American, 0.0034%; no homozygotes.

Submission:

PreventionGenetics, part of Exact Sciences
Classification: Uncertain significance for SH2B1-related condition. Last evaluated: 2024-09-16. Review status: no assertion criteria provided. Collection method: clinical testing. Allele origin: germline.
Comment: The SH2B1 c.1943G>C variant is predicted to result in the amino acid substitution p.Arg648Thr. To our knowledge, this variant has not been reported in the literature. This variant is reported in 0.0060% of alleles in individuals of Latino descent in gnomAD. At this time, the clinical significance of this variant is uncertain due to the absence of conclusive functional and genetic evidence.

NM_001387430.1(SH2B1):c.1897+46G>C

Gene: SH2B1 (SH2B adaptor protein 1; plus strand). Cytogenetic location: 16p11.2.
Variant type: single nucleotide variant.
Coding change: c.1897+46G>C on transcript NM_001387430.1 (MANE Select); 46 bases into the intron after coding-DNA position 1897, G replaced by C.
Molecular consequence: intron variant. On other transcripts: missense variant (1).
Genome position (GRCh38, 1-based): chr16:28,872,751, G>C. VCF-style: chr16-28872751-G-C. GRCh37 (hg19) VCF-style: chr16-28884072-G-C.
Other names: c.1943G>C, p.Arg648Thr (NM_001145797.2); c.1897+46G>C (NM_001308293.2, NM_001387404.1, NM_015503.3 and 3 more transcripts); c.889+46G>C (NM_001308294.2); short protein forms R648T.
Identifiers: ClinVar variation 3354552 (VCV003354552.1).